The following is an entry in ClinVar:

ClinVar aggregate classification (germline): Uncertain significance (1 of 4 stars; one submission).

Conditions:
Obesity, hyperphagia, and developmental delay (OBHD). Identifiers: Orphanet 99704, MedGen C3151303, MONDO:0013483, OMIM 613886.

Submission:

Institute of Human Genetics, University of Leipzig Medical Center
Classification: Uncertain significance for Obesity, hyperphagia, and developmental delay. Last evaluated: 2024-02-13. Review status: criteria provided, single submitter. Criteria: ACMG Guidelines, 2015. Collection method: clinical testing. Allele origin: de novo. Inheritance: Autosomal dominant inheritance. Affected: yes. Observed: 1 variant allele.
Comment: Criteria applied: PS2_Mod, PM2_Sup, PP2, PP3

NM_006180.6(NTRK2):c.2404A>T (p.Met802Leu)

Gene: NTRK2 (neurotrophic receptor tyrosine kinase 2; plus strand). Cytogenetic location: 9q21.33.
Variant type: single nucleotide variant.
Coding change: c.2404A>T on transcript NM_006180.6 (MANE Select); coding-DNA position 2404, A replaced by T.
Protein change: p.Met802Leu; replaces methionine 802 with leucine.
Molecular consequence: missense variant.
Genome position (GRCh38, 1-based): chr9:85,021,324, A>T. VCF-style: chr9-85021324-A-T. GRCh37 (hg19) VCF-style: chr9-87636239-A-T.
Other names: c.2356A>T, p.Met786Leu (NM_001018064.3, NM_001369532.1, NM_001369533.1); c.2320A>T, p.Met774Leu (NM_001369534.1); c.1888A>T, p.Met630Leu (NM_001369535.1); c.1936A>T, p.Met646Leu (NM_001369536.1); c.2404A>T, p.Met802Leu (NM_001381928.1); short protein forms M630L, M646L, M774L, M786L, M802L.
Identifiers: ClinVar variation 3068728 (VCV003068728.1), dbSNP rs2492752869, ClinGen allele CA374009066.